The following is an entry in ClinVar:

NM_024408.4(NOTCH2):c.6160A>G (p.Met2054Val)

Gene: NOTCH2 (notch receptor 2; minus strand). Cytogenetic location: 1p12.
Variant type: single nucleotide variant.
Coding change: c.6160A>G on transcript NM_024408.4 (MANE Select); coding-DNA position 6160, A replaced by G.
Protein change: p.Met2054Val; replaces methionine 2054 with valine.
Molecular consequence: missense variant.
Genome position (GRCh38, 1-based): chr1:119,916,562, T>C on the plus strand (A>G on the coding strand, the complement: NOTCH2 is on the minus strand). VCF-style: chr1-119916562-T-C. GRCh37 (hg19) VCF-style: chr1-120459185-T-C.
Other names: short protein forms M2054V.
Identifiers: ClinVar variation 648134 (VCV000648134.9), dbSNP rs774262327, ClinGen allele CA341880461.
Genomic context (GRCh38, chr1:119,916,562, plus strand): 5'-TGCCTGGAGGGCTTGGGGTCACATTGTATTCATCCAGAAGGCGCACAATGTCATGGTGCA[T>C]GCGATCCCGAGCCACATCCCGGGGAAGACGATCCATATGGTCTGTGATGTCTCGATTGGC-3'
Protein context (NP_077719.2, residues 2044-2064): RLPRDVARDR[Met2054Val]HHDIVRLLDE

ClinVar aggregate classification (germline): Uncertain significance (1 of 4 stars; one submission).

Conditions:
Hajdu-Cheney syndrome (HJCYS). Also called: ACROOSTEOLYSIS WITH OSTEOPOROSIS AND CHANGES IN SKULL AND MANDIBLE; Acroosteolysis dominant type; SERPENTINE FIBULA-POLYCYSTIC KIDNEY SYNDROME. Identifiers: Orphanet 955, MedGen C0917715, MONDO:0007057, OMIM 102500.

Allele frequency attached by ClinVar (database versions not stated): gnomAD 0.00001.
gnomAD v4.1: 9 of 1,614,008 alleles (0.00056%); highest among the groups gnomAD compares: Non-Finnish European, 0.00034%; no homozygotes.

Submission:

Labcorp Genetics (formerly Invitae), Labcorp
Classification: Uncertain significance for Hajdu-Cheney syndrome. Last evaluated: 2024-03-09. Review status: criteria provided, single submitter. Criteria: Invitae Variant Classification Sherloc (09022015). Collection method: clinical testing. Allele origin: germline.
Comment: This sequence change replaces methionine, which is neutral and non-polar, with valine, which is neutral and non-polar, at codon 2054 of the NOTCH2 protein (p.Met2054Val). This variant is not present in population databases (gnomAD no frequency). This variant has not been reported in the literature in individuals affected with NOTCH2-related conditions. ClinVar contains an entry for this variant (Variation ID: 648134). Advanced modeling of protein sequence and biophysical properties (such as structural, functional, and spatial information, amino acid conservation, physicochemical variation, residue mobility, and thermodynamic stability) performed at Invitae indicates that this missense variant is not expected to disrupt NOTCH2 protein function with a negative predictive value of 80%. In summary, the available evidence is currently insufficient to determine the role of this variant in disease. Therefore, it has been classified as a Variant of Uncertain Significance.